The following is an entry in ClinVar:

ClinVar aggregate classification (germline): Uncertain significance (1 of 4 stars; one submission).

Conditions:
Ataxia-telangiectasia syndrome (AT). Also called: Ataxia-telangiectasia; LOUIS-BAR SYNDROME; Ataxia-telangiectasia, complementation group D; AT, COMPLEMENTATION GROUP C; ATAXIA-TELANGIECTASIA, COMPLEMENTATION GROUP A; ATAXIA-TELANGIECTASIA, FRESNO VARIANT. Identifiers: Orphanet 100, MedGen C0004135, MONDO:0008840, OMIM 208900.

Submission:

Labcorp Genetics (formerly Invitae), Labcorp
Classification: Uncertain significance for Ataxia-telangiectasia syndrome. Last evaluated: 2021-02-25. Review status: criteria provided, single submitter. Criteria: Invitae Variant Classification Sherloc (09022015). Collection method: clinical testing. Allele origin: germline.
Comment: This variant, c.5975_5977del, results in the deletion of 1 amino acid(s) of the ATM protein (p.Lys1992del), but otherwise preserves the integrity of the reading frame. This variant is not present in population databases (ExAC no frequency). This variant has not been reported in the literature in individuals with ATM-related conditions. Algorithms developed to predict the effect of sequence changes on RNA splicing suggest that this variant may create or strengthen a splice site, but this prediction has not been confirmed by published transcriptional studies. In summary, the available evidence is currently insufficient to determine the role of this variant in disease. Therefore, it has been classified as a Variant of Uncertain Significance.

NM_000051.4(ATM):c.5975_5977del (p.Lys1992del)

Genes: ATM (ATM serine/threonine kinase; plus strand), C11orf65 (chromosome 11 open reading frame 65; minus strand). Cytogenetic location: 11q22.3.
Variant type: Deletion.
Coding change: c.5975_5977del on transcript NM_000051.4 (MANE Select); coding-DNA positions 5975 to 5977, 3 bases deleted (AAA; older notation c.5975_5977delAAA).
Protein change: p.Lys1992del; deletes lysine 1992.
Molecular consequence: inframe deletion. On other transcripts: intron variant (2).
Genome position (GRCh38, 1-based): chr11:108,312,467-108,312,469, AAA deleted; deleting any 3 consecutive bases within chr11:108,312,464-108,312,469 gives the same sequence; the c. name uses the placement nearest the transcript's 3' end. VCF-style (leftmost placement, unchanged base first): chr11-108312463-GAAA-G. GRCh37 (hg19) VCF-style: chr11-108183190-GAAA-G.
Other names: c.5975_5977del, p.Lys1992del (NM_001351834.2); c.641-3395_641-3393del (NM_001330368.2); c.*39-3395_*39-3393del (NM_001351110.2); short protein forms K1992del.
Identifiers: ClinVar variation 1375605 (VCV001375605.9), dbSNP rs1591758642, ClinGen allele CA2573146457.